The following is an entry in ClinVar:

ClinVar aggregate classification (germline): Uncertain significance (1 of 4 stars; one submission).

Conditions:
ACACB-related disorder. Also called: ACACB-related condition.

gnomAD v4.1: 32 of 1,613,714 alleles (0.002%); highest among the groups gnomAD compares: African/African-American, 0.011%; no homozygotes.

Submission:

PreventionGenetics, part of Exact Sciences
Classification: Uncertain significance for ACACB-related condition. Last evaluated: 2026-06-28. Review status: criteria provided, single submitter. Criteria: ACMG Guidelines, 2015. Collection method: clinical testing. Allele origin: germline.
Comment: The ACACB c.880C>T variant is predicted to result in the amino acid substitution p.Arg294Trp. To our knowledge, this variant has not been reported in the literature. This variant is reported in 0.012% of alleles in individuals of African descent in gnomAD. At this time, the clinical significance of this variant is uncertain due to the absence of conclusive functional and genetic evidence.

NM_001093.4(ACACB):c.880C>T (p.Arg294Trp)

Gene: ACACB (acetyl-CoA carboxylase beta; plus strand). Cytogenetic location: 12q24.11.
Variant type: single nucleotide variant.
Coding change: c.880C>T on transcript NM_001093.4 (MANE Select); coding-DNA position 880, C replaced by T.
Protein change: p.Arg294Trp; replaces arginine 294 with tryptophan.
Molecular consequence: missense variant.
Genome position (GRCh38, 1-based): chr12:109,167,989, C>T. VCF-style: chr12-109167989-C-T. GRCh37 (hg19) VCF-style: chr12-109605794-C-T.
Other names: c.880C>T, p.Arg294Trp (NM_001412734.1, NM_001412735.1); c.274C>T, p.Arg92Trp (NM_001412736.1, NM_001412738.1, NM_001412739.1 and 2 more transcripts); c.253C>T, p.Arg85Trp (NM_001412737.1); short protein forms R85W, R294W, R92W.
Identifiers: ClinVar variation 4988500 (VCV004988500.1).